The following is an entry in ClinVar:

NM_000548.5(TSC2):c.3815-308T>C

Gene: TSC2 (TSC complex subunit 2; plus strand). Cytogenetic location: 16p13.3.
Variant type: single nucleotide variant.
Coding change: c.3815-308T>C on transcript NM_000548.5 (MANE Select); 308 bases into the intron before coding-DNA position 3815, T replaced by C.
Molecular consequence: intron variant.
Genome position (GRCh38, 1-based): chr16:2,082,128, T>C. VCF-style: chr16-2082128-T-C. GRCh37 (hg19) VCF-style: chr16-2132129-T-C.
Other names: c.3814+330T>C (NM_001114382.3); c.3686-308T>C (NM_021055.3, NM_001370405.1); c.3685+330T>C (NM_001363528.2); c.3683-308T>C (NM_001370404.1); c.3682+330T>C (NM_001077183.3); c.3574+330T>C (NM_001318827.2); c.3083-308T>C (NM_001318831.2); c.3538+330T>C (NM_001318829.2); and 1 more.
Identifiers: ClinVar variation 672863 (VCV000672863.1), dbSNP rs186379642, ClinGen allele CA276750532.
Genomic context (GRCh38, chr16:2,082,128, plus strand): 5'-GCGGGCTCCAGGAGGCTCTGCGGCAGCCTCCCTCCCTGCCTGGGCCCAGGTTTGGACACC[T>C]GAGCCCGCCTGCGCACTCTGGGCCCCCACCCCACTCGGCACCGTGCTTCTCGCCAGGCCC-3'

ClinVar aggregate classification (germline): Likely benign (1 of 4 stars; one submission).

Allele frequency attached by ClinVar (database versions not stated): gnomAD exomes 0.00044; 1000 Genomes Project 30x 0.00281; 1000 Genomes Project 0.00319; gnomAD 0.00394 and 0.00432; TOPMed 0.00425.
gnomAD v4.1: 796 of 588,018 alleles (0.14%); highest among the groups gnomAD compares: African/African-American, 1.4%; 7 homozygotes.

Submission:

GeneDx
Classification: Likely benign. Last evaluated: 2018-06-14. Review status: criteria provided, single submitter. Criteria: GeneDx Variant Classification (06012015). Collection method: clinical testing. Allele origin: germline. Affected: yes.
Comment: This variant is considered likely benign or benign based on one or more of the following criteria: it is a conservative change, it occurs at a poorly conserved position in the protein, it is predicted to be benign by multiple in silico algorithms, and/or has population frequency not consistent with disease.